The following is an entry in ClinVar:

ClinVar aggregate classification (germline): Likely benign (1 of 4 stars; one submission).

gnomAD v4.1: 129 of 1,613,704 alleles (0.008%); highest among the groups gnomAD compares: Admixed American, 0.1%; no homozygotes.

Submission:

CeGaT Center for Human Genetics Tuebingen
Classification: Likely benign. Last evaluated: 2026-04-01. Review status: criteria provided, single submitter. Criteria: CeGaT Center For Human Genetics Tuebingen Variant Classification Criteria Version 2. Collection method: clinical testing. Allele origin: germline. Affected: yes. Observed: 2 variant alleles.
Comment: CAMK2A: BP4, BP7

NM_015981.4(CAMK2A):c.*23G>A

Gene: CAMK2A (calcium/calmodulin dependent protein kinase II alpha; minus strand). Cytogenetic location: 5q32.
Variant type: single nucleotide variant.
Coding change: c.*23G>A on transcript NM_015981.4 (MANE Select); 23 bases downstream of the stop codon, G replaced by A.
Molecular consequence: 3 prime UTR variant.
Genome position (GRCh38, 1-based): chr5:150,222,687, C>T on the plus strand (G>A on the coding strand, the complement: CAMK2A is on the minus strand). VCF-style: chr5-150222687-C-T. GRCh37 (hg19) VCF-style: chr5-149602250-C-T.
Other names: c.*23G>A (NM_001363989.1, NM_001363990.1, NM_171825.3); c.*52G>A (NM_001369025.2).
Identifiers: ClinVar variation 3771328 (VCV003771328.13).
Genomic context (GRCh38, chr5:150,222,687, plus strand): 5'-CCACCTGGGAGAACCAGCAGCTCCACTCCACGGACAGAGTGGATCTCTGCGGCACAGCAA[C>T]GCAGCGACCCCAGCCTGGTCCCTCAGCTGTAAGACACACACGGGGTGCTTCTCAGGGCAT-3'